The following is an entry in ClinVar:

ClinVar aggregate classification (germline): Uncertain significance (1 of 4 stars; one submission).

Submission:

Labcorp Genetics (formerly Invitae), Labcorp
Classification: Uncertain significance. Last evaluated: 2025-03-17. Review status: criteria provided, single submitter. Criteria: Invitae Variant Classification Sherloc (09022015). Collection method: clinical testing. Allele origin: germline.
Comment: This sequence change replaces isoleucine, which is neutral and non-polar, with threonine, which is neutral and polar, at codon 812 of the ANKRD26 protein (p.Ile812Thr). This variant is not present in population databases (gnomAD no frequency). This variant has not been reported in the literature in individuals affected with ANKRD26-related conditions. ClinVar contains an entry for this variant (Variation ID: 2764993). An algorithm developed to predict the effect of missense changes on protein structure and function outputs the following: PolyPhen-2: "Benign". The threonine amino acid residue is found in multiple mammalian species, which suggests that this missense change does not adversely affect protein function. In summary, the available evidence is currently insufficient to determine the role of this variant in disease. Therefore, it has been classified as a Variant of Uncertain Significance.

NM_014915.3(ANKRD26):c.2435T>C (p.Ile812Thr)

Gene: ANKRD26 (ankyrin repeat domain 26; minus strand). Cytogenetic location: 10p12.1.
Variant type: single nucleotide variant.
Coding change: c.2435T>C on transcript NM_014915.3 (MANE Select); coding-DNA position 2435, T replaced by C.
Protein change: p.Ile812Thr; replaces isoleucine 812 with threonine.
Molecular consequence: missense variant.
Genome position (GRCh38, 1-based): chr10:27,037,995, A>G on the plus strand (T>C on the coding strand, the complement: ANKRD26 is on the minus strand). VCF-style: chr10-27037995-A-G. GRCh37 (hg19) VCF-style: chr10-27326924-A-G.
Other names: c.2432T>C, p.Ile811Thr (NM_001256053.2); short protein forms I812T, I811T.
Identifiers: ClinVar variation 2764993 (VCV002764993.3), dbSNP rs2538791792, ClinGen allele CA376367015.